The following is an entry in ClinVar:

NM_001083961.2(WDR62):c.2146+4G>A

Gene: WDR62 (WD repeat domain 62; plus strand). Cytogenetic location: 19q13.12.
Variant type: single nucleotide variant.
Coding change: c.2146+4G>A on transcript NM_001083961.2 (MANE Select); 4 bases into the intron after coding-DNA position 2146, G replaced by A.
Molecular consequence: intron variant.
Genome position (GRCh38, 1-based): chr19:36,091,315, G>A. VCF-style: chr19-36091315-G-A. GRCh37 (hg19) VCF-style: chr19-36582217-G-A.
Other names: c.2146+4G>A (NM_173636.5, NM_001411146.1); c.2131+4G>A (NM_001411145.1); c.1795+4G>A (NM_001411147.1).
Identifiers: ClinVar variation 3039945 (VCV003039945.2), dbSNP rs1203291886, ClinGen allele CA881843169.

ClinVar aggregate classification (germline): Likely benign (0 of 4 stars; one submission).

Conditions:
WDR62-related disorder. Also called: WDR62-related condition.

Allele frequency attached by ClinVar (database versions not stated): TOPMed below 0.00001.
gnomAD v4.1: 4 of 1,613,970 alleles (0.00025%); highest among the groups gnomAD compares: Non-Finnish European, 0.00034%; no homozygotes.

Submission:

PreventionGenetics, part of Exact Sciences
Classification: Likely benign for WDR62-related condition. Last evaluated: 2019-09-19. Review status: no assertion criteria provided. Collection method: clinical testing. Allele origin: germline.
Comment: This variant is classified as likely benign based on ACMG/AMP sequence variant interpretation guidelines (Richards et al. 2015 PMID: 25741868, with internal and published modifications).